The following is an entry in ClinVar:

ClinVar aggregate classification (germline): Pathogenic (1 of 4 stars; one submission).

Conditions:
Familial dysautonomia. Also called: HSAN III; FD. Identifiers: Orphanet 1764, MedGen C0013364, MONDO:0009131, OMIM 223900. Disease mechanism: loss of function.

Submission:

Myriad Genetics, Inc.
Classification: Pathogenic for Familial dysautonomia. Last evaluated: 2025-04-15. Review status: criteria provided, single submitter. Criteria: Myriad Autosomal Dominant, Autosomal Recessive and X-Linked Classification Criteria (2023). Collection method: clinical testing. Allele origin: unknown.
Comment: NM_003640.3(ELP1):c.2945_2947delCACinsT(S982Lfs*21) is expected to be pathogenic in the context of familial dysautonomia. This variant is predicted to lead to an abnormal or absent protein product due to the creation of a premature termination codon in ELP1, a gene where loss-of-function variants are known to be pathogenic. Please note: this variant was assessed in the context of healthy population screening.

NM_003640.5(ELP1):c.2945_2947delinsT (p.Ser982fs)

Gene: ELP1 (elongator acetyltransferase complex subunit 1; minus strand). Cytogenetic location: 9q31.3.
Variant type: Indel.
Coding change: c.2945_2947delinsT on transcript NM_003640.5 (MANE Select); coding-DNA positions 2945 to 2947, CAC replaced by T.
Protein change: p.Ser982fs; shifts the reading frame from serine 982.
Molecular consequence: frameshift variant.
Genome position (GRCh38, 1-based): chr9:108,892,997-108,892,999, GTG replaced by A on the plus strand (CAC replaced by T on the coding strand, the reverse complement: ELP1 is on the minus strand). VCF-style: chr9-108892997-GTG-A. GRCh37 (hg19) VCF-style: chr9-111655277-GTG-A.
Other names: c.2603_2605delinsT, p.Ser868fs (NM_001318360.2); c.1898_1900delinsT, p.Ser633fs (NM_001330749.2); short protein forms S633fs, S868fs, S982fs.
Identifiers: ClinVar variation 5014331 (VCV005014331.1).
Genomic context (GRCh38, chr9:108,892,997, plus strand): 5'-TAAAGCAAAAAGCAAAACCAGGAGAGCCTCATTTTCACATACCACATACCTGGTACTGTT[GTG>A]AGCTTGGTGAATATAACTTCAGAGCTTCGTTATACAAGTTTTTATCTTTTATCAAGTTTA-3'